The following is an entry in ClinVar:

ClinVar aggregate classification (germline): Likely benign. Review status: criteria provided, multiple submitters, no conflicts (2 of 4 stars). 3 submissions from 3 submitters: Likely benign (2). 1 of the submissions does not count toward it. Last evaluated 2023-06-15.

Conditions:
HAND2-related disorder. Also called: HAND2-related condition.

Allele frequency attached by ClinVar (database versions not stated): ExAC 0.00002; gnomAD 0.00003 and 0.00004; gnomAD exomes 0.00003; TOPMed 0.00006.
gnomAD v4.1: 54 of 1,614,078 alleles (0.0033%); highest among the groups gnomAD compares: Middle Eastern, 0.033%; no homozygotes.

Submissions (3):

Labcorp Genetics (formerly Invitae), Labcorp
Classification: Likely benign. Last evaluated: 2023-06-15. Review status: criteria provided, single submitter. Criteria: Invitae Variant Classification Sherloc (09022015). Collection method: clinical testing. Allele origin: germline.

Breakthrough Genomics
Classification: Likely benign. Review status: criteria provided, single submitter. Criteria: ACMG Guidelines, 2015. Collection method: not provided. Allele origin: germline. Inheritance: Unknown mechanism. Affected: yes.

PreventionGenetics, part of Exact Sciences
Classification: Likely benign for HAND2-related condition. Last evaluated: 2019-06-19. Review status: no assertion criteria provided. Collection method: clinical testing. Allele origin: germline. Not counted in ClinVar's aggregate classification.
Comment: This variant is classified as likely benign based on ACMG/AMP sequence variant interpretation guidelines (Richards et al. 2015 PMID: 25741868, with internal and published modifications).

NM_021973.3(HAND2):c.492G>A (p.Ala164=)

Genes: HAND2 (heart and neural crest derivatives expressed 2; minus strand), HAND2-AS1 (HAND2 antisense RNA 1; plus strand). Cytogenetic location: 4q34.1.
Variant type: single nucleotide variant.
Coding change: c.492G>A on transcript NM_021973.3 (MANE Select); coding-DNA position 492, G replaced by A.
Protein change: p.Ala164=; no amino-acid change (alanine 164 retained).
Molecular consequence: synonymous variant. On other transcripts: non-coding transcript variant (1).
Genome position (GRCh38, 1-based): chr4:173,528,798, C>T on the plus strand (G>A on the coding strand, the complement: HAND2 is on the minus strand). VCF-style: chr4-173528798-C-T. GRCh37 (hg19) VCF-style: chr4-174449949-C-T.
Other names: c.492G>A (NM_021973.2).
Identifiers: ClinVar variation 1553754 (VCV001553754.11), dbSNP rs368515409, ClinGen allele CA3141285.
Genomic context (GRCh38, chr4:173,528,798, plus strand): 5'-CTCCTTCTTCCTCTTCTCCTCTTTCACGTCGGTCTTCTTGATCTCTGCCTTGAAGGCCTC[C>T]GCCTCGCCATTCTGGTCGTCCTTGGCCAGCAGGTCCATGAGGTAGGCGATGTAGCTGGTG-3'
Protein context (NP_068808.1, residues 154-174): LLAKDDQNGE[Ala164=]EAFKAEIKKT